The following is an entry in ClinVar:

NM_003816.3(ADAM9):c.196-1G>A

Gene: ADAM9 (ADAM metallopeptidase domain 9; plus strand). Cytogenetic location: 8p11.22.
Variant type: single nucleotide variant.
Coding change: c.196-1G>A on transcript NM_003816.3 (MANE Select); the canonical splice acceptor site of the intron before coding-DNA position 196, G replaced by A.
Molecular consequence: splice acceptor variant.
Genome position (GRCh38, 1-based): chr8:39,011,657, G>A. VCF-style: chr8-39011657-G-A. GRCh37 (hg19) VCF-style: chr8-38869176-G-A.
Identifiers: ClinVar variation 373092 (VCV000373092.2), dbSNP rs1057518208, ClinGen allele CA16042722.

ClinVar aggregate classification (germline): Pathogenic (1 of 4 stars; one submission).

Submission:

GeneDx
Classification: Pathogenic. Last evaluated: 2016-11-03. Review status: criteria provided, single submitter. Criteria: GeneDx Variant Classification (06012015). Collection method: clinical testing. Allele origin: germline. Affected: yes.
Comment: The c.196-1G>A variant in the ADAM9 gene has not been reported previously as a pathogenic variant nor as a benign variant, to our knowledge. This splice site variant destroys the canonical splice acceptor site in intron 2. It is predicted to cause abnormal gene splicing, either leading to an abnormal message that is subject to nonsense-mediated mRNA decay, or to an abnormal protein product if the message is used for protein translation. The c.196-1G>A variant was not observed in approximately 6500 individuals of European and African American ancestry in the NHLBI Exome Sequencing Project, indicating it is not a common benign variant in these populations. We interpret c.196-1G>A as a pathogenic variant.